The following is an entry in ClinVar:

NM_000256.3(MYBPC3):c.1223+2T>G

Gene: MYBPC3 (myosin binding protein C3; minus strand). Cytogenetic location: 11p11.2.
Variant type: single nucleotide variant.
Coding change: c.1223+2T>G on transcript NM_000256.3 (MANE Select); the canonical splice donor site of the intron after coding-DNA position 1223, T replaced by G.
Molecular consequence: splice donor variant.
Genome position (GRCh38, 1-based): chr11:47,343,490, A>C on the plus strand (T>G on the coding strand, the complement: MYBPC3 is on the minus strand). VCF-style: chr11-47343490-A-C. GRCh37 (hg19) VCF-style: chr11-47365041-A-C.
Identifiers: ClinVar variation 181068 (VCV000181068.10), dbSNP rs730880641, ClinGen allele CA009906.

ClinVar aggregate classification (germline): Pathogenic. Review status: criteria provided, multiple submitters, no conflicts (2 of 4 stars). 2 submissions from 2 submitters: Pathogenic (2). Last evaluated 2023-12-12.

Conditions:
Hypertrophic cardiomyopathy. Also called: HYPERTROPHIC MYOCARDIOPATHY. Identifiers: Orphanet 217569, MedGen C0007194, MeSH D002312, MONDO:0005045, HP:0001639.

Allele frequency attached by ClinVar (database versions not stated): ExAC 0.00054.

Submissions (2):

Labcorp Genetics (formerly Invitae), Labcorp
Classification: Pathogenic for Hypertrophic cardiomyopathy. Last evaluated: 2023-12-12. Review status: criteria provided, single submitter. Criteria: Invitae Variant Classification Sherloc (09022015). Collection method: clinical testing. Allele origin: germline.
Comment: This sequence change affects a donor splice site in intron 13 of the MYBPC3 gene. It is expected to disrupt RNA splicing. Variants that disrupt the donor or acceptor splice site typically lead to a loss of protein function (PMID: 16199547), and loss-of-function variants in MYBPC3 are known to be pathogenic (PMID: 19574547). The frequency data for this variant in the population databases is considered unreliable, as metrics indicate poor data quality at this position in the gnomAD database. Disruption of this splice site has been observed in individuals with hypertrophic cardiomyopathy (PMID: 27532257, 29497013; Invitae). ClinVar contains an entry for this variant (Variation ID: 181068). Algorithms developed to predict the effect of sequence changes on RNA splicing suggest that this variant may disrupt the consensus splice site. For these reasons, this variant has been classified as Pathogenic.

GeneDx
Classification: Pathogenic. Last evaluated: 2014-01-18. Review status: criteria provided, single submitter. Criteria: GeneDx Variant Classification (06012015). Collection method: clinical testing. Allele origin: germline. Affected: yes.
Comment: c.1223+2 T>G: IVS13+2 T>G in intron 13 of the MYBPC3 gene (NM_000256.3) Although the c.1223+2 T>G mutation has not been reported as a disease-causing mutation or as a benign polymorphism to our knowledge, this mutation destroys the canonical splice donor site in intron 13 and is predicted to cause abnormal gene splicing. The mutation is predicted to lead to either an abnormal message that is subject to nonsense-mediated mRNA decay, or to an abnormal protein product if the message is used for protein translation. This mutation was not observed in approximately 6,000 individuals of European and African American ancestry in the NHLBI Exome Sequencing Project, indicating it is not a common benign variant in these populations. Other splice site mutations in the MYBPC3 gene have been reported in association with HCM. In summary, c.1223+2 T>G in the MYBPC3 gene is interpreted as a disease-causing mutation. Mutations in the MYBPC3 gene have been reported in 20%-30% of patients with autosomal dominant familial hypertrophic cardiomyopathy, and have been reported less frequently in patients with autosomal dominant familial dilated cardiomyopathy (Cirino A et al., 2011; Hershberger R et al., 2009). The variant is found in HCM panel(s).

Literature cited by the submitters: PubMed 16199547 (cited by Labcorp Genetics (formerly Invitae), Labcorp); PubMed 19574547 (cited by Labcorp Genetics (formerly Invitae), Labcorp); PubMed 27532257 (cited by Labcorp Genetics (formerly Invitae), Labcorp); PubMed 29497013 (cited by Labcorp Genetics (formerly Invitae), Labcorp).